The following is an entry in ClinVar:

ClinVar aggregate classification (germline): Uncertain significance (1 of 4 stars; one submission).

Conditions:
Familial thoracic aortic aneurysm and aortic dissection (TAAD). Also called: Thoracic aortic aneurysms and dissections. Identifiers: Orphanet 91387, MedGen C4707243, MONDO:0019625.
Marfan syndrome (MFS). Also called: Marfan syndrome, classic; Marfan syndrome type 1; Marfan's syndrome; FBN1-Related Marfan Syndrome; MARFAN SYNDROME, TYPE I. Identifiers: Orphanet 284963, Orphanet 558, MedGen C0024796, MONDO:0007947, OMIM 154700.

Submission:

Labcorp Genetics (formerly Invitae), Labcorp
Classification: Uncertain significance for Marfan syndrome; Familial thoracic aortic aneurysm and aortic dissection. Last evaluated: 2020-11-28. Review status: criteria provided, single submitter. Criteria: Invitae Variant Classification Sherloc (09022015). Collection method: clinical testing. Allele origin: germline.
Comment: In summary, the available evidence is currently insufficient to determine the role of this variant in disease. Therefore, it has been classified as a Variant of Uncertain Significance. Algorithms developed to predict the effect of missense changes on protein structure and function are either unavailable or do not agree on the potential impact of this missense change (SIFT: "Deleterious"; PolyPhen-2: "Probably Damaging"; Align-GVGD: "Class C0"). This variant has not been reported in the literature in individuals with FBN1-related conditions. This variant is not present in population databases (ExAC no frequency). This sequence change replaces threonine with proline at codon 2462 of the FBN1 protein (p.Thr2462Pro). The threonine residue is highly conserved and there is a small physicochemical difference between threonine and proline.

NM_000138.5(FBN1):c.7384A>C (p.Thr2462Pro)

Gene: FBN1 (fibrillin 1; minus strand). Cytogenetic location: 15q21.1.
Variant type: single nucleotide variant.
Coding change: c.7384A>C on transcript NM_000138.5 (MANE Select); coding-DNA position 7384, A replaced by C.
Protein change: p.Thr2462Pro; replaces threonine 2462 with proline.
Molecular consequence: missense variant.
Genome position (GRCh38, 1-based): chr15:48,425,438, T>G on the plus strand (A>C on the coding strand, the complement: FBN1 is on the minus strand). VCF-style: chr15-48425438-T-G. GRCh37 (hg19) VCF-style: chr15-48717635-T-G.
Other names: short protein forms T2462P.
Identifiers: ClinVar variation 938945 (VCV000938945.9), dbSNP rs371278936, ClinGen allele CA392327860.